The following is an entry in ClinVar:

ClinVar aggregate classification (germline): Pathogenic (1 of 4 stars; one submission).

Submission:

Labcorp Genetics (formerly Invitae), Labcorp
Classification: Pathogenic. Last evaluated: 2022-04-14. Review status: criteria provided, single submitter. Criteria: Invitae Variant Classification Sherloc (09022015). Collection method: clinical testing. Allele origin: germline.
Comment: This variant has not been reported in the literature in individuals affected with BCL11A-related conditions. For these reasons, this variant has been classified as Pathogenic. This variant disrupts a region of the BCL11A protein in which other variant(s) (p.Ser2Cys) have been determined to be pathogenic (Invitae). This suggests that this is a clinically significant region of the protein, and that variants that disrupt it are likely to be disease-causing. This variant is not present in population databases (gnomAD no frequency). This sequence change affects the initiator methionine of the BCL11A mRNA. The next in-frame methionine is located at codon 53.

NM_022893.4(BCL11A):c.2T>A (p.Met1Lys)

Gene: BCL11A (BCL11 transcription factor A; minus strand). Cytogenetic location: 2p16.1.
Variant type: single nucleotide variant.
Coding change: c.2T>A on transcript NM_022893.4 (MANE Select); coding-DNA position 2, T replaced by A.
Protein change: p.Met1Lys; changes the start codon (methionine 1).
Molecular consequence: missense variant, initiator codon variant. On other transcripts: 5 prime UTR variant (5).
Genome position (GRCh38, 1-based): chr2:60,553,269, A>T on the plus strand (T>A on the coding strand, the complement: BCL11A is on the minus strand). VCF-style: chr2-60553269-A-T. GRCh37 (hg19) VCF-style: chr2-60780404-A-T.
Other names: c.2T>A, p.Met1Lys (NM_001363864.1, NM_001365609.1, NM_001405708.1 and 10 more transcripts); c.-424T>A (NM_001405721.1); c.-674T>A (NM_001405725.1, NM_001405726.1, NM_001405731.1); c.-531T>A (NM_001405728.1); short protein forms M1K.
Identifiers: ClinVar variation 2126136 (VCV002126136.5), dbSNP rs2467357949, ClinGen allele CA347040242.
Genomic context (GRCh38, chr2:60,553,269, plus strand): 5'-TACTTACGCGAGAATTCCCGTTTGCTTAAGTGCTGGGGTTTGCCTTGCTTGCGGCGAGAC[A>T]TGGTGGGCTGCGGGGCGGGCGGCGGCGGCGGCGGCGGCGGCGGCGGGCGGACGACGGCTC-3'
Protein context (NP_075044.2, residues 1-11): [Met1Lys]SRRKQGKPQH